The following is an entry in ClinVar:

NM_020680.4(SCYL1):c.2381del (p.Lys794fs)

Gene: SCYL1 (SCY1 like pseudokinase 1; plus strand). Cytogenetic location: 11q13.1.
Variant type: Deletion.
Coding change: c.2381del on transcript NM_020680.4 (MANE Select); coding-DNA position 2381, one base deleted (A; older notation c.2381delA).
Protein change: p.Lys794fs; shifts the reading frame from lysine 794.
Molecular consequence: frameshift variant. On other transcripts: 3 prime UTR variant (2).
Genome position (GRCh38, 1-based): chr11:65,538,520, A deleted; the last of 2 consecutive A bases (chr11:65,538,519-65,538,520); deleting either gives the same sequence. VCF-style (leftmost placement, unchanged base first): chr11-65538518-GA-G. GRCh37 (hg19) VCF-style: chr11-65305989-GA-G.
Other names: c.2330del, p.Lys777fs (NM_001048218.2); c.2323del, p.Arg775fs (NM_001411022.1, NM_001425190.1); c.2378del, p.Lys793fs (NM_001425179.1, NM_001425180.1, NM_001425181.1); c.2375del, p.Lys792fs (NM_001425182.1); c.2327del, p.Lys776fs (NM_001425183.1, NM_001425184.1); c.2344del, p.Arg782fs (NM_001425185.1); c.2341del, p.Arg781fs (NM_001425186.1); c.2303del, p.Lys768fs (NM_001425187.1); and 22 more; short protein forms K573fs, K589fs, K590fs, K633fs, K634fs, K650fs, K651fs, K706fs.
Identifiers: ClinVar variation 4886480 (VCV004886480.2).
Genomic context (GRCh38, chr11:65,538,518, plus strand): 5'-GCTGGCCCGGAAGAAGCGCGAGGAGCGGCGGCGGGAGATGGAGGCCAAACGCGCCGAGAG[GA>G]AGGTGGCCAAGGGCCCCATGAAGCTGGGAGCCCGGAAGCTGGACTGAACCGTGGCGGTGG-3'

ClinVar aggregate classification (germline): Likely pathogenic (1 of 4 stars; one submission).

Submission:

Dasa
Classification: Likely pathogenic. Last evaluated: 2026-04-08. Review status: criteria provided, single submitter. Criteria: DASA Assertion Criteria. Collection method: clinical testing. Allele origin: germline.
Comment: NM_020680.4(SCYL1):c.2381del (p.Lys794Argfs*7) is a frameshift variant in SCYL1 predicted to alter the reading frame and introduce a premature termination codon and is predicted to result in an absent or altered protein product. Loss of function is an established disease mechanism for SCYL1-associated disorders. Also, this variant is absent from population databases. Based on the currently available evidence, this variant is classified as likely pathogenic.